The following is an entry in ClinVar:

ClinVar aggregate classification (germline): Pathogenic (1 of 4 stars; one submission).

Conditions:
alpha Thalassemia. Also called: Alpha thalassemia spectrum. Identifiers: Orphanet 846, MedGen C0002312, MONDO:0011399, OMIM 604131.

Submission:

Natera, Inc.
Classification: Pathogenic for Alpha thalassemia. Last evaluated: 2025-12-24. Review status: criteria provided, single submitter. Criteria: Natera Variant Classification Schema (03/2026). Collection method: clinical testing. Allele origin: germline.
Comment: The c.96-31_122del variant in HBA2 is a frameshift variant predicted to shift the reading frame and introduce a stop codon. This variant is expected to result in nonsense mediated decay, truncation, or a dysfunctional protein product. This variant is rare in the general population with a frequency below the threshold expected for the associated phenotype(s). Another variant at this same site results in an alteration predicted to cause a similar molecular effect has been observed in individual(s) with the associated phenotype. Given the available evidence, this variant is classified as Pathogenic.

NM_000517.6(HBA2):c.96-31_122del

Genes: HBA2 (hemoglobin subunit alpha 2; plus strand), LOC106804612 (hemoglobin subunit alpha 2 recombination region; plus strand). Cytogenetic location: 16p13.3.
Variant type: Deletion.
Coding change: c.96-31_122del on transcript NM_000517.6 (MANE Select); 31 bases into the intron before coding-DNA position 96 through coding-DNA position 122, 58 bases deleted.
Molecular consequence: splice acceptor variant.
Genome position (GRCh38, 1-based): chr16:173,094-173,151, 58 bases deleted. GRCh37 (hg19): chr16:223,093-223,150.
Identifiers: ClinVar variation 4818686 (VCV004818686.1).